The following is an entry in ClinVar:

ClinVar aggregate classification (germline): Uncertain significance (1 of 4 stars; one submission).

Allele frequency attached by ClinVar (database versions not stated): TOPMed below 0.00001.

Submission:

Labcorp Genetics (formerly Invitae), Labcorp
Classification: Uncertain significance. Last evaluated: 2022-10-05. Review status: criteria provided, single submitter. Criteria: Invitae Variant Classification Sherloc (09022015). Collection method: clinical testing. Allele origin: germline.
Comment: This sequence change replaces alanine, which is neutral and non-polar, with glycine, which is neutral and non-polar, at codon 2218 of the VCAN protein (p.Ala2218Gly). This variant is not present in population databases (gnomAD no frequency). This variant has not been reported in the literature in individuals affected with VCAN-related conditions. ClinVar contains an entry for this variant (Variation ID: 1053067). Algorithms developed to predict the effect of missense changes on protein structure and function are either unavailable or do not agree on the potential impact of this missense change (SIFT: "Deleterious"; PolyPhen-2: "Benign"; Align-GVGD: "Class C0"). Algorithms developed to predict the effect of sequence changes on RNA splicing suggest that this variant may create or strengthen a splice site. In summary, the available evidence is currently insufficient to determine the role of this variant in disease. Therefore, it has been classified as a Variant of Uncertain Significance.

NM_004385.5(VCAN):c.6653C>G (p.Ala2218Gly)

Genes: VCAN (versican; plus strand), VCAN-AS1 (VCAN antisense RNA 1; minus strand). Cytogenetic location: 5q14.3.
Variant type: single nucleotide variant.
Coding change: c.6653C>G on transcript NM_004385.5 (MANE Select); coding-DNA position 6653, C replaced by G.
Protein change: p.Ala2218Gly; replaces alanine 2218 with glycine.
Molecular consequence: missense variant. On other transcripts: intron variant (2).
Genome position (GRCh38, 1-based): chr5:83,539,656, C>G. VCF-style: chr5-83539656-C-G. GRCh37 (hg19) VCF-style: chr5-82835475-C-G.
Other names: c.3692C>G, p.Ala1231Gly (NM_001164097.2); c.4004-5881C>G (NM_001164098.2); c.1043-5881C>G (NM_001126336.3); short protein forms A1231G, A2218G.
Identifiers: ClinVar variation 1053067 (VCV001053067.10), dbSNP rs1261733984, ClinGen allele CA360313041.